The following is an entry in ClinVar:

ClinVar aggregate classification (germline): Uncertain significance (1 of 4 stars; one submission).

Conditions:
ALG9 congenital disorder of glycosylation (CDG1L). Also called: CDG Il; CONGENITAL DISORDER OF GLYCOSYLATION, TYPE Il; ALG9-CDG. Identifiers: Orphanet 79328, MedGen C2931006, MONDO:0012117, OMIM 608776.

Submission:

Labcorp Genetics (formerly Invitae), Labcorp
Classification: Uncertain significance for ALG9 congenital disorder of glycosylation. Last evaluated: 2022-07-14. Review status: criteria provided, single submitter. Criteria: Invitae Variant Classification Sherloc (09022015). Collection method: clinical testing. Allele origin: germline.
Comment: This sequence change replaces leucine, which is neutral and non-polar, with isoleucine, which is neutral and non-polar, at codon 437 of the ATP6V0A2 protein (p.Leu437Ile). This variant is not present in population databases (gnomAD no frequency). This variant has not been reported in the literature in individuals affected with ATP6V0A2-related conditions. Algorithms developed to predict the effect of missense changes on protein structure and function are either unavailable or do not agree on the potential impact of this missense change (SIFT: "Tolerated"; PolyPhen-2: "Probably Damaging"; Align-GVGD: "Class C0"). In summary, the available evidence is currently insufficient to determine the role of this variant in disease. Therefore, it has been classified as a Variant of Uncertain Significance.

NM_012463.4(ATP6V0A2):c.1309C>A (p.Leu437Ile)

Gene: ATP6V0A2 (ATPase H+ transporting V0 subunit a2; plus strand). Cytogenetic location: 12q24.31.
Variant type: single nucleotide variant.
Coding change: c.1309C>A on transcript NM_012463.4 (MANE Select); coding-DNA position 1309, C replaced by A.
Protein change: p.Leu437Ile; replaces leucine 437 with isoleucine.
Molecular consequence: missense variant.
Genome position (GRCh38, 1-based): chr12:123,744,320, C>A. VCF-style: chr12-123744320-C-A. GRCh37 (hg19) VCF-style: chr12-124228867-C-A.
Other names: short protein forms L437I.
Identifiers: ClinVar variation 1719298 (VCV001719298.5), dbSNP rs1224284278, ClinGen allele CA387156803.